The following is an entry in ClinVar:

ClinVar aggregate classification (germline): Benign/Likely benign. Review status: criteria provided, multiple submitters, no conflicts (2 of 4 stars). 4 submissions from 4 submitters: Benign (2); Likely benign (2). Last evaluated 2026-09-01.

Conditions:
Inborn genetic diseases. Identifiers: MedGen C0950123, MeSH D030342.
Developmental and epileptic encephalopathy, 30 (DEE30). Also called: Epileptic encephalopathy, early infantile, 30. Identifiers: MedGen C4225360, MONDO:0014595, OMIM 616341.

Allele frequency attached by ClinVar (database versions not stated): ExAC below 0.00001; gnomAD 0.00010; gnomAD exomes 0.00073.

Submissions (4):

CeGaT Center for Human Genetics Tuebingen
Classification: Likely benign. Last evaluated: 2026-09-01. Review status: criteria provided, single submitter. Criteria: CeGaT Center For Human Genetics Tuebingen Variant Classification Criteria Version 2. Collection method: clinical testing. Allele origin: germline. Affected: yes. Observed: 1 variant allele.
Comment: SIK1: BP4, BP7

Labcorp Genetics (formerly Invitae), Labcorp
Classification: Benign for Developmental and epileptic encephalopathy, 30. Last evaluated: 2026-02-03. Review status: criteria provided, single submitter. Criteria: Invitae Variant Classification Sherloc (09022015). Collection method: clinical testing. Allele origin: germline.

Mayo Clinic Laboratories, Mayo Clinic
Classification: Benign. Last evaluated: 2023-07-25. Review status: criteria provided, single submitter. Criteria: ACMG Guidelines, 2015. Collection method: clinical testing. Allele origin: germline. Observed: 3 variant alleles.
Comment: BS1, BS2, BP4, BP5, BP7

Ambry Genetics
Classification: Likely benign for Inborn genetic diseases. Last evaluated: 2016-12-20. Review status: criteria provided, single submitter. Criteria: Ambry Variant Classification Scheme 2023. Collection method: clinical testing. Allele origin: germline.

NM_173354.5(SIK1):c.2142G>A (p.Leu714=)

Gene: SIK1 (salt inducible kinase 1; minus strand). Cytogenetic location: 21q22.3.
Variant type: single nucleotide variant.
Coding change: c.2142G>A on transcript NM_173354.5 (MANE Select); coding-DNA position 2142, G replaced by A.
Protein change: p.Leu714=; no amino-acid change (leucine 714 retained).
Molecular consequence: synonymous variant.
Genome position (GRCh38, 1-based): chr21:43,416,952, C>T on the plus strand (G>A on the coding strand, the complement: SIK1 is on the minus strand). VCF-style: chr21-43416952-C-T. GRCh37 (hg19) VCF-style: chr21-44836832-C-T.
Other names: p.Leu714=.
Identifiers: ClinVar variation 476100 (VCV000476100.18), dbSNP rs759724871, ClinGen allele CA321324422.